The following is an entry in ClinVar:

NM_000051.4(ATM):c.4175A>G (p.Tyr1392Cys)

Gene: ATM (ATM serine/threonine kinase; plus strand). Cytogenetic location: 11q22.3.
Variant type: single nucleotide variant.
Coding change: c.4175A>G on transcript NM_000051.4 (MANE Select); coding-DNA position 4175, A replaced by G.
Protein change: p.Tyr1392Cys; replaces tyrosine 1392 with cysteine.
Molecular consequence: missense variant.
Genome position (GRCh38, 1-based): chr11:108,289,042, A>G. VCF-style: chr11-108289042-A-G. GRCh37 (hg19) VCF-style: chr11-108159769-A-G.
Other names: c.4175A>G, p.Tyr1392Cys (NM_001351834.2); short protein forms Y1392C.
Identifiers: ClinVar variation 229863 (VCV000229863.12), dbSNP rs876658239, ClinGen allele CA10579136.

ClinVar aggregate classification (germline): Uncertain significance. Review status: criteria provided, multiple submitters, no conflicts (2 of 4 stars). 2 submissions from 2 submitters: Uncertain significance (2). Last evaluated 2024-03-06.

Conditions:
Ataxia-telangiectasia syndrome (AT). Also called: Ataxia telangiectasia (A-T); Ataxia-telangiectasia, complementation group E; LOUIS-BAR SYNDROME; Cerebello-oculocutaneous telangiectasia; Immunodeficiency with ataxia telangiectasia; Ataxia-telangiectasia, complementation group D. Identifiers: Orphanet 100, MedGen C0004135, MONDO:0008840, OMIM 208900.
Hereditary cancer-predisposing syndrome. Also called: Hereditary Cancer Syndrome; Neoplastic Syndromes, Hereditary; Tumor predisposition; Hereditary neoplastic syndrome. Identifiers: Orphanet 140162, MedGen C0027672, MeSH D009386, MONDO:0015356.

Allele frequency attached by ClinVar (database versions not stated): gnomAD exomes below 0.00001.
gnomAD v4.1: 1 of 1,613,226 alleles (0.000062%); highest among the groups gnomAD compares: South Asian, 0.0011%; no homozygotes.

Submissions (2):

Labcorp Genetics (formerly Invitae), Labcorp
Classification: Uncertain significance for Ataxia-telangiectasia syndrome. Last evaluated: 2024-03-06. Review status: criteria provided, single submitter. Criteria: Invitae Variant Classification Sherloc (09022015). Collection method: clinical testing. Allele origin: germline.
Comment: This sequence change replaces tyrosine, which is neutral and polar, with cysteine, which is neutral and slightly polar, at codon 1392 of the ATM protein (p.Tyr1392Cys). This variant is not present in population databases (gnomAD no frequency). This variant has not been reported in the literature in individuals affected with ATM-related conditions. ClinVar contains an entry for this variant (Variation ID: 229863). An algorithm developed to predict the effect of missense changes on protein structure and function (PolyPhen-2) suggests that this variant is likely to be disruptive. In summary, the available evidence is currently insufficient to determine the role of this variant in disease. Therefore, it has been classified as a Variant of Uncertain Significance.

Ambry Genetics
Classification: Uncertain significance for Hereditary cancer-predisposing syndrome. Last evaluated: 2015-01-02. Review status: criteria provided, single submitter. Criteria: Ambry Variant Classification Scheme 2023. Collection method: clinical testing. Allele origin: germline.
Comment: The p.Y1392C variant (also known as c.4175A>G), located in coding exon 27 of the ATM gene, results from an A to G substitution at nucleotide position 4175. The tyrosine at codon 1392 is replaced by cysteine, an amino acid with highly dissimilar properties. This variant was not reported in population based cohorts in the following databases: Database of Single Nucleotide Polymorphisms (dbSNP), NHLBI Exome Sequencing Project (ESP), and 1000 Genomes Project. In the ESP, this variant was not observed in 6498 samples (12996 alleles) with coverage at this position. To date, this alteration has been detected with an allele frequency of approximately 0.002% (greater than 41,000 alleles tested) in our clinical cohort. This amino acid position is highly conserved in available vertebrate species. In addition, this alteration is predicted to be deleterious by in silico analysis. Since supporting evidence is limited at this time, the clinical significance of p.Y1392C remains unclear.